The following is an entry in ClinVar:

ClinVar aggregate classification (germline): Uncertain significance (1 of 4 stars; one submission).

Conditions:
Dextro-looped transposition of the great arteries. Also called: Dextrotransposition of the great arteries. Identifiers: Orphanet 860, MedGen C3531771, MONDO:0019443, OMIM 608808, HP:0031348.

Allele frequency attached by ClinVar (database versions not stated): gnomAD exomes below 0.00001; TOPMed below 0.00001; gnomAD 0.00001.
gnomAD v4.1: 3 of 1,614,040 alleles (0.00019%); highest among the groups gnomAD compares: African/African-American, 0.004%; no homozygotes.

Submission:

Labcorp Genetics (formerly Invitae), Labcorp
Classification: Uncertain significance for Dextro-looped transposition of the great arteries. Last evaluated: 2023-12-11. Review status: criteria provided, single submitter. Criteria: Invitae Variant Classification Sherloc (09022015). Collection method: clinical testing. Allele origin: germline.
Comment: This sequence change replaces threonine, which is neutral and polar, with lysine, which is basic and polar, at codon 1686 of the MED13L protein (p.Thr1686Lys). This variant is not present in population databases (gnomAD no frequency). This variant has not been reported in the literature in individuals affected with MED13L-related conditions. Advanced modeling of protein sequence and biophysical properties (such as structural, functional, and spatial information, amino acid conservation, physicochemical variation, residue mobility, and thermodynamic stability) performed at Invitae indicates that this missense variant is expected to disrupt MED13L protein function with a positive predictive value of 80%. In summary, the available evidence is currently insufficient to determine the role of this variant in disease. Therefore, it has been classified as a Variant of Uncertain Significance.

NM_015335.5(MED13L):c.5057C>A (p.Thr1686Lys)

Gene: MED13L (mediator complex subunit 13L; minus strand). Cytogenetic location: 12q24.21.
Variant type: single nucleotide variant.
Coding change: c.5057C>A on transcript NM_015335.5 (MANE Select); coding-DNA position 5057, C replaced by A.
Protein change: p.Thr1686Lys; replaces threonine 1686 with lysine.
Molecular consequence: missense variant.
Genome position (GRCh38, 1-based): chr12:115,982,502, G>T on the plus strand (C>A on the coding strand, the complement: MED13L is on the minus strand). VCF-style: chr12-115982502-G-T. GRCh37 (hg19) VCF-style: chr12-116420307-G-T.
Other names: short protein forms T1686K.
Identifiers: ClinVar variation 2918718 (VCV002918718.3), dbSNP rs1877397719, ClinGen allele CA386881249.